The following is an entry in ClinVar:

ClinVar aggregate classification (germline): Pathogenic (1 of 4 stars; one submission).

Allele frequency attached by ClinVar (database versions not stated): gnomAD exomes below 0.00001.

Submission:

Labcorp Genetics (formerly Invitae), Labcorp
Classification: Pathogenic. Last evaluated: 2022-05-28. Review status: criteria provided, single submitter. Criteria: Invitae Variant Classification Sherloc (09022015). Collection method: clinical testing. Allele origin: germline.
Comment: For these reasons, this variant has been classified as Pathogenic. This variant has not been reported in the literature in individuals affected with ERCC8-related conditions. This variant is present in population databases (no rsID available, gnomAD 0.0009%). This sequence change creates a premature translational stop signal (p.Gly264Glnfs*5) in the ERCC8 gene. It is expected to result in an absent or disrupted protein product. Loss-of-function variants in ERCC8 are known to be pathogenic (PMID: 29572252).

Literature cited by the submitters: PubMed 29572252.

NM_000082.4(ERCC8):c.786_789del (p.Gly264fs)

Gene: ERCC8 (ERCC excision repair 8, CSA ubiquitin ligase complex subunit; minus strand). Cytogenetic location: 5q12.1.
Variant type: Deletion.
Coding change: c.786_789del on transcript NM_000082.4 (MANE Select); coding-DNA positions 786 to 789, 4 bases deleted (TGTT; older notation c.786_789delTGTT).
Protein change: p.Gly264fs; shifts the reading frame from glycine 264.
Molecular consequence: frameshift variant.
Genome position (GRCh38, 1-based): chr5:60,898,330-60,898,333, AACA deleted on the plus strand (TGTT on the coding strand, the reverse complement: ERCC8 is on the minus strand). VCF-style (leftmost placement, unchanged base first): chr5-60898329-CAACA-C. GRCh37 (hg19) VCF-style: chr5-60194156-CAACA-C.
Other names: c.612_615del, p.Gly206fs (NM_001007233.3); c.327_330del, p.Gly111fs (NM_001290285.2); short protein forms G206fs, G264fs, G111fs.
Identifiers: ClinVar variation 1995423 (VCV001995423.4), dbSNP rs1464907263, ClinGen allele CA559820468.
Genomic context (GRCh38, chr5:60,898,329, plus strand): 5'-CTCTTACAAGTGTGTTTTCTCCATTGGAACTATTCCAGAGCCTCATTCGATTATCTGTAC[CAACA>C]GTGAGGAGGTGAAGTCCATCACTTGTAAAACATAAGCCATTAACTTTCCCATTATGAGCA-3'